The following is an entry in ClinVar:

NM_001797.4(CDH11):c.1430G>T (p.Arg477Met)

Gene: CDH11 (cadherin 11; minus strand). Cytogenetic location: 16q21.
Variant type: single nucleotide variant.
Coding change: c.1430G>T on transcript NM_001797.4 (MANE Select); coding-DNA position 1430, G replaced by T.
Protein change: p.Arg477Met; replaces arginine 477 with methionine.
Molecular consequence: missense variant.
Genome position (GRCh38, 1-based): chr16:64,972,025, C>A on the plus strand (G>T on the coding strand, the complement: CDH11 is on the minus strand). VCF-style: chr16-64972025-C-A. GRCh37 (hg19) VCF-style: chr16-65005928-C-A.
Other names: c.1430G>T, p.Arg477Met (NM_001308392.2); c.1052G>T, p.Arg351Met (NM_001330576.2); short protein forms R351M, R477M.
Identifiers: ClinVar variation 5040924 (VCV005040924.1).
Genomic context (GRCh38, chr16:64,972,025, plus strand): 5'-CAGATGAAACCTTCATAAGGGGCAGCAAACTTGGGAGCATTATCGTTGACATCAAGGACC[C>A]TAATGGCCACTGGGACTTTGGCTTCCTGATGCCGATTGTCTGGGAAGACAGAATGCAGAC-3'
Protein context (NP_001788.2, residues 467-487): HQEAKVPVAI[Arg477Met]VLDVNDNAPK

ClinVar aggregate classification (germline): Likely benign (1 of 4 stars; one submission).

gnomAD v4.1: 492 of 1,613,570 alleles (0.03%); highest among the groups gnomAD compares: Admixed American, 0.047%; 1 homozygote.

Submission:

CeGaT Center for Human Genetics Tuebingen
Classification: Likely benign. Last evaluated: 2026-09-01. Review status: criteria provided, single submitter. Criteria: CeGaT Center For Human Genetics Tuebingen Variant Classification Criteria Version 2. Collection method: clinical testing. Allele origin: germline. Affected: yes. Observed: 1 variant allele.
Comment: CDH11: BP4